The following is an entry in ClinVar:

ClinVar aggregate classification (germline): Uncertain significance. Review status: criteria provided, multiple submitters, no conflicts (2 of 4 stars). 2 submissions from 2 submitters: Uncertain significance (2). Last evaluated 2025-07-15.

Conditions:
Inborn genetic diseases. Identifiers: MedGen C0950123, MeSH D030342.

Submissions (2):

Ambry Genetics
Classification: Uncertain significance for Inborn genetic diseases. Last evaluated: 2025-07-15. Review status: criteria provided, single submitter. Criteria: Ambry Variant Classification Scheme 2023. Collection method: clinical testing. Allele origin: germline.

GeneDx
Classification: Uncertain significance. Last evaluated: 2024-11-22. Review status: criteria provided, single submitter. Criteria: GeneDx Variant Classification Process June 2021. Collection method: clinical testing. Allele origin: germline. Affected: yes.
Comment: Not observed at significant frequency in large population cohorts (gnomAD); In silico analysis indicates that this missense variant does not alter protein structure/function; Has not been previously published as pathogenic or benign to our knowledge

NM_003361.4(UMOD):c.1768G>A (p.Gly590Arg)

Gene: UMOD (uromodulin; minus strand). Cytogenetic location: 16p12.3.
Variant type: single nucleotide variant.
Coding change: c.1768G>A on transcript NM_003361.4 (MANE Select); coding-DNA position 1768, G replaced by A.
Protein change: p.Gly590Arg; replaces glycine 590 with arginine.
Molecular consequence: missense variant. On other transcripts: non-coding transcript variant (1).
Genome position (GRCh38, 1-based): chr16:20,336,700, C>T on the plus strand (G>A on the coding strand, the complement: UMOD is on the minus strand). VCF-style: chr16-20336700-C-T. GRCh37 (hg19) VCF-style: chr16-20348022-C-T.
Other names: c.1768G>A, p.Gly590Arg (NM_001008389.3, NM_001378232.1, NM_001378233.1); c.1867G>A, p.Gly623Arg (NM_001278614.2); c.1909G>A, p.Gly637Arg (NM_001378234.1, NM_001378235.1); short protein forms G590R, G623R, G637R.
Identifiers: ClinVar variation 3900134 (VCV003900134.2).